The following is an entry in ClinVar:

ClinVar aggregate classification (germline): Conflicting classifications of pathogenicity. Review status: criteria provided, conflicting classifications (1 of 4 stars). 15 submissions from 13 submitters: Uncertain significance (3); Benign (2); Likely benign (5). 5 of the submissions do not count toward it. Last evaluated 2026-06-01.

Conditions:
KIT-related disorder. Also called: KIT-related condition.
Hereditary cancer-predisposing syndrome. Also called: Tumor predisposition; Hereditary neoplastic syndrome; Hereditary Cancer Syndrome; Neoplastic Syndromes, Hereditary. Identifiers: Orphanet 140162, MedGen C0027672, MeSH D009386, MONDO:0015356.
Mastocytosis. Also called: Mast Cell Disease. Identifiers: Orphanet 98292, MedGen C0024899, MONDO:0007950, HP:0100495.
Gastrointestinal stromal tumor. Also called: Gastrointestinal stromal tumor, somatic; Gastrointestinal stroma tumor. Identifiers: Orphanet 44890, MedGen C0238198, MeSH D046152, MONDO:0011719, OMIM 606764, HP:0100723.
Piebaldism. Also called: Piebald skin depigmentation. Identifiers: Orphanet 2884, MedGen C0080024, MONDO:0008244, OMIM 172800, HP:0007544.

Allele frequency attached by ClinVar (database versions not stated): ExAC 0.00046; ESP Exome Variant Server 0.00046; gnomAD exomes 0.00052 and 0.00108; TOPMed 0.00052; gnomAD 0.00058 and 0.00059.

Submissions (15):

CeGaT Center for Human Genetics Tuebingen
Classification: Likely benign. Last evaluated: 2026-06-01. Review status: criteria provided, single submitter. Criteria: CeGaT Center For Human Genetics Tuebingen Variant Classification Criteria Version 2. Collection method: clinical testing. Allele origin: germline. Affected: yes. Observed: 12 variant alleles.
Comment: KIT: BP4, BS1

Myriad Genetics, Inc.
Classification: Likely benign for Gastrointestinal stromal tumor. Last evaluated: 2026-05-27. Review status: criteria provided, single submitter. Criteria: Myriad Autosomal Dominant, Autosomal Recessive and X-Linked Classification Criteria (2023). Collection method: clinical testing. Allele origin: unknown.
Comment: This variant is considered likely benign. This variant has been observed at a population frequency that is significantly greater than expected given the associated disease prevalence and penetrance.

Labcorp Genetics (formerly Invitae), Labcorp
Classification: Likely benign for Gastrointestinal stromal tumor. Last evaluated: 2026-02-02. Review status: criteria provided, single submitter. Criteria: Invitae Variant Classification Sherloc (09022015). Collection method: clinical testing. Allele origin: germline.

Blueprint Genetics
Classification: Likely benign. Last evaluated: 2024-10-28. Review status: criteria provided, single submitter. Criteria: ACMG Guidelines, 2015. Collection method: clinical testing. Allele origin: germline.

Ambry Genetics
Classification: Benign for Hereditary cancer-predisposing syndrome. Last evaluated: 2024-08-20. Review status: criteria provided, single submitter. Criteria: Ambry Variant Classification Scheme 2023. Collection method: clinical testing. Allele origin: germline.

Institute for Clinical Genetics, University Hospital TU Dresden, University Hospital TU Dresden
Classification: Uncertain significance. Last evaluated: 2021-11-03. Review status: criteria provided, single submitter. Criteria: ACMG Guidelines, 2015. Collection method: clinical testing. Allele origin: germline.

GeneDx
Classification: Likely benign. Last evaluated: 2021-05-10. Review status: criteria provided, single submitter. Criteria: GeneDx Variant Classification Process June 2021. Collection method: clinical testing. Allele origin: germline. Affected: yes.
Comment: In silico analysis supports that this missense variant does not alter protein structure/function; This variant is associated with the following publications: (PMID: 15711284, 20861915, 15150569, 24728327)

Illumina Laboratory Services, Illumina
Classification: Benign for Cutaneous mastocytosis. Last evaluated: 2017-05-31. Review status: criteria provided, single submitter. Criteria: ICSL Variant Classification Criteria 13 December 2019. Collection method: clinical testing. Allele origin: germline.
Comment: This variant was observed as part of a predisposition screen in an ostensibly healthy population. A literature search was performed for the gene, cDNA change, and amino acid change (where applicable). No publications were found based on this search. Allele frequency data from public databases was too high to be consistent with this variant causing disease. Therefore, this variant is classified as benign.

Illumina Laboratory Services, Illumina
Classification: Uncertain significance for Gastrointestinal stromal tumor. Last evaluated: 2017-04-27. Review status: criteria provided, single submitter. Criteria: ICSL Variant Classification Criteria 13 December 2019. Collection method: clinical testing. Allele origin: germline.

Illumina Laboratory Services, Illumina
Classification: Uncertain significance for Piebaldism. Last evaluated: 2017-04-27. Review status: criteria provided, single submitter. Criteria: ICSL Variant Classification Criteria 13 December 2019. Collection method: clinical testing. Allele origin: germline.

PreventionGenetics, part of Exact Sciences
Classification: Likely benign for KIT-related condition. Last evaluated: 2022-04-22. Review status: no assertion criteria provided. Collection method: clinical testing. Allele origin: germline. Not counted in ClinVar's aggregate classification.
Comment: This variant is classified as likely benign based on ACMG/AMP sequence variant interpretation guidelines (Richards et al. 2015 PMID: 25741868, with internal and published modifications).

Knight Diagnostic Laboratories, Oregon Health and Sciences University
Classification: Uncertain significance for Gastrointestinal stromal tumor. Last evaluated: 2016-01-27. Review status: no assertion criteria provided. Criteria: ACMG Guidelines, 2015. Collection method: clinical testing. Allele origin: germline. Affected: no. Study: CSER-NextGen. Not counted in ClinVar's aggregate classification.

ITMI
No classification provided. Condition: AllHighlyPenetrant. Last evaluated: 2013-09-19. Review status: no classification provided. Collection method: reference population. Allele origin: germline. Not counted in ClinVar's aggregate classification.
Comment: Please see associated publication for description of ethnicities

Clinical Genetics DNA and cytogenetics Diagnostics Lab, Erasmus MC, Erasmus Medical Center
Classification: Likely benign. Review status: no assertion criteria provided. Collection method: clinical testing. Allele origin: germline. Affected: yes. Study: VKGL Data-share Consensus. Not counted in ClinVar's aggregate classification.

Genome Diagnostics Laboratory, Amsterdam University Medical Center
Classification: Likely benign. Review status: no assertion criteria provided. Collection method: clinical testing. Allele origin: germline. Affected: yes. Study: VKGL Data-share Consensus. Not counted in ClinVar's aggregate classification.

Literature cited by the submitters: PubMed 24728327 (cited by ITMI).

NM_000222.3(KIT):c.1195G>A (p.Val399Ile)

Gene: KIT (KIT proto-oncogene, receptor tyrosine kinase; plus strand). Cytogenetic location: 4q12.
Variant type: single nucleotide variant.
Coding change: c.1195G>A on transcript NM_000222.3 (MANE Select); coding-DNA position 1195, G replaced by A.
Protein change: p.Val399Ile; replaces valine 399 with isoleucine.
Molecular consequence: missense variant.
Genome position (GRCh38, 1-based): chr4:54,709,503, G>A. VCF-style: chr4-54709503-G-A. GRCh37 (hg19) VCF-style: chr4-55575669-G-A.
Other names: c.1195G>A, p.Val399Ile (NM_001093772.2, NM_001385285.1, NM_001385286.1); c.1198G>A, p.Val400Ile (NM_001385284.1, NM_001385288.1, NM_001385290.1 and 1 more transcripts); short protein forms V399I, V400I.
Identifiers: ClinVar variation 134629 (VCV000134629.56), dbSNP rs143707288, ClinGen allele CA160374.
Genomic context (GRCh38, chr4:54,709,503, plus strand): 5'-CTAACGAGATTAAAAGGCACCGAAGGAGGCACTTACACATTCCTAGTGTCCAATTCTGAC[G>A]TCAATGCTGCCATAGCATTTAATGTTTATGTGAATAGTAAGTAACATGAAGGGCTCCTTT-3'
Protein context (NP_000213.1, residues 389-409): TYTFLVSNSD[Val399Ile]NAAIAFNVYV